The following is an entry in ClinVar:

ClinVar aggregate classification (germline): Pathogenic (1 of 4 stars; one submission).

Submission:

Greenwood Genetic Center Diagnostic Laboratories, Greenwood Genetic Center
Classification: Pathogenic. Last evaluated: 2020-07-06. Review status: criteria provided, single submitter. Criteria: ACMG Guidelines, 2015. Collection method: clinical testing. Allele origin: germline. Affected: yes.
Comment: PS2, PS3, PP2, PM1, PM2

NM_022552.5(DNMT3A):c.2146G>A (p.Val716Ile)

Gene: DNMT3A (DNA methyltransferase 3 alpha; minus strand). Cytogenetic location: 2p23.3.
Variant type: single nucleotide variant.
Coding change: c.2146G>A on transcript NM_022552.5 (MANE Select); coding-DNA position 2146, G replaced by A.
Protein change: p.Val716Ile; replaces valine 716 with isoleucine.
Molecular consequence: missense variant. On other transcripts: non-coding transcript variant (1).
Genome position (GRCh38, 1-based): chr2:25,240,667, C>T on the plus strand (G>A on the coding strand, the complement: DNMT3A is on the minus strand). VCF-style: chr2-25240667-C-T. GRCh37 (hg19) VCF-style: chr2-25463536-C-T.
Other names: c.1690G>A, p.Val564Ile (NM_001320893.1); c.1477G>A, p.Val493Ile (NM_001375819.1); c.1579G>A, p.Val527Ile (NM_153759.3); c.2146G>A, p.Val716Ile (NM_175629.2); short protein forms V493I, V527I, V564I, V716I.
Identifiers: ClinVar variation 977200 (VCV000977200.3), dbSNP rs1418039680, ClinGen allele CA346070601.